The following is an entry in ClinVar:

NM_138694.4(PKHD1):c.7810C>T (p.Arg2604Cys)

Gene: PKHD1 (PKHD1 ciliary IPT domain containing fibrocystin/polyductin; minus strand). Cytogenetic location: 6p12.2.
Variant type: single nucleotide variant.
Coding change: c.7810C>T on transcript NM_138694.4 (MANE Select); coding-DNA position 7810, C replaced by T.
Protein change: p.Arg2604Cys; replaces arginine 2604 with cysteine.
Molecular consequence: missense variant.
Genome position (GRCh38, 1-based): chr6:51,855,994, G>A on the plus strand (C>T on the coding strand, the complement: PKHD1 is on the minus strand). VCF-style: chr6-51855994-G-A. GRCh37 (hg19) VCF-style: chr6-51720792-G-A.
Other names: c.7810C>T, p.Arg2604Cys (NM_170724.3); short protein forms R2604C.
Identifiers: ClinVar variation 595359 (VCV000595359.23), dbSNP rs201091083, ClinGen allele CA3851831.

ClinVar aggregate classification (germline): Conflicting classifications of pathogenicity. Review status: criteria provided, conflicting classifications (1 of 4 stars). 6 submissions from 6 submitters: Uncertain significance (1); Benign (1); Likely benign (2). 2 of the submissions do not count toward it. Last evaluated 2026-01-26.

Conditions:
Autosomal recessive polycystic kidney disease (ARPKD). Also called: AR polycystic kidney disease. Identifiers: Orphanet 731, Orphanet 8378, MedGen C0085548, MeSH D017044, MONDO:0009889.
PKHD1-related disorder. Also called: PKHD1-related condition.

Allele frequency attached by ClinVar (database versions not stated): gnomAD 0.00006 and 0.00014; TOPMed 0.00011; ESP Exome Variant Server 0.00023; gnomAD exomes 0.00035 and 0.00063; ExAC 0.00073; 1000 Genomes Project 30x 0.00109; 1000 Genomes Project 0.00120.
gnomAD v4.1: 519 of 1,607,696 alleles (0.032%); highest among the groups gnomAD compares: South Asian, 0.44%; 5 homozygotes.

Submissions (6):

Labcorp Genetics (formerly Invitae), Labcorp
Classification: Benign for Autosomal recessive polycystic kidney disease. Last evaluated: 2026-01-26. Review status: criteria provided, single submitter. Criteria: Invitae Variant Classification Sherloc (09022015). Collection method: clinical testing. Allele origin: germline.

Blueprint Genetics
Classification: Likely benign. Last evaluated: 2024-11-26. Review status: criteria provided, single submitter. Criteria: ACMG Guidelines, 2015. Collection method: clinical testing. Allele origin: germline.

Eurofins Ntd Llc (ga)
Classification: Likely benign. Last evaluated: 2018-06-28. Review status: criteria provided, single submitter. Criteria: EGL ClinVar v180209 classification definitions. Collection method: clinical testing. Allele origin: germline. Observed: 2 variant alleles, 2 heterozygotes.

Illumina Laboratory Services, Illumina
Classification: Uncertain significance for Polycystic kidney disease 4. Last evaluated: 2018-01-12. Review status: criteria provided, single submitter. Criteria: ICSL Variant Classification Criteria 13 December 2019. Collection method: clinical testing. Allele origin: germline.

PreventionGenetics, part of Exact Sciences
Classification: Likely benign for PKHD1-related condition. Last evaluated: 2021-02-25. Review status: no assertion criteria provided. Collection method: clinical testing. Allele origin: germline. Not counted in ClinVar's aggregate classification.
Comment: This variant is classified as likely benign based on ACMG/AMP sequence variant interpretation guidelines (Richards et al. 2015 PMID: 25741868, with internal and published modifications).

Natera, Inc.
Classification: Benign for Autosomal recessive polycystic kidney disease. Last evaluated: 2020-05-01. Review status: no assertion criteria provided. Collection method: clinical testing. Allele origin: germline. Not counted in ClinVar's aggregate classification.